The following is an entry in ClinVar:

NC_000005.10:g.(?_112827108)_(112844127_?)del

Gene: APC (APC regulator of Wnt signaling pathway; plus strand). Cytogenetic location: 5q22.2.
Variant type: Deletion.
Identifiers: ClinVar variation 216013 (VCV000216013.1).

ClinVar aggregate classification (germline): Pathogenic (1 of 4 stars; one submission).

Conditions:
Familial adenomatous polyposis 1 (FAP1). Also called: FAMILIAL ADENOMATOUS POLYPOSIS 1, ATTENUATED; POLYPOSIS, ADENOMATOUS INTESTINAL. Identifiers: MedGen C2713442, MONDO:0021056, OMIM 175100. Disease mechanism: loss of function.

Submission:

Labcorp Genetics (formerly Invitae), Labcorp
Classification: Pathogenic for Familial adenomatous polyposis 1. Last evaluated: 2015-09-03. Review status: criteria provided, single submitter. Criteria: Invitae Variant Classification Sherloc (09022015). Collection method: clinical testing. Allele origin: germline.
Comment: This sequence change is a gross deletion of the genomic region encompassing exons 12-16 of the APC gene, which extends to both edges of the assayed region, and the 5' and 3' boundaries of this event are not known. Because this deletion affects all the way to the downstream of last exon of the APC gene, it is expected to result in an absent or disrupted protein product. Deletions encompassing exons 12-16, which in the literature are known as exons 11-15 deletions, have been reported in individuals and families affected with familial adenomatous polyposis (PMID: 20223039, 16736293, 18487285). For these reasons, this variant has been classified as Pathogenic.